The following is an entry in ClinVar:

NM_000070.3(CAPN3):c.1574T>C (p.Phe525Ser)

Gene: CAPN3 (calpain 3; plus strand). Cytogenetic location: 15q15.1.
Variant type: single nucleotide variant.
Coding change: c.1574T>C on transcript NM_000070.3 (MANE Select); coding-DNA position 1574, T replaced by C.
Protein change: p.Phe525Ser; replaces phenylalanine 525 with serine.
Molecular consequence: missense variant.
Genome position (GRCh38, 1-based): chr15:42,402,831, T>C. VCF-style: chr15-42402831-T-C. GRCh37 (hg19) VCF-style: chr15-42695029-T-C.
Other names: c.1574T>C, p.Phe525Ser (NM_024344.2); c.1430T>C, p.Phe477Ser (NM_173087.2); c.38T>C, p.Phe13Ser (NM_173088.2); short protein forms F477S, F525S, F13S.
Identifiers: ClinVar variation 5003256 (VCV005003256.1).

ClinVar aggregate classification (germline): Uncertain significance (1 of 4 stars; one submission).

Conditions:
Autosomal recessive limb-girdle muscular dystrophy type 2A (LGMDR1). Also called: Muscular dystrophy, limb-girdle, type 2A, Amish; Limb-girdle muscular dystrophy, type 2A; Calpainopathy; LEYDEN-MOEBIUS MUSCULAR DYSTROPHY; MUSCULAR DYSTROPHY, PELVOFEMORAL. Identifiers: Orphanet 267, MedGen C1869123, MONDO:0009675, OMIM 253600. Disease mechanism: loss of function.

Submission:

Myriad Genetics, Inc.
Classification: Uncertain significance for Autosomal recessive limb-girdle muscular dystrophy type 2A. Last evaluated: 2025-12-02. Review status: criteria provided, single submitter. Criteria: Myriad Autosomal Dominant, Autosomal Recessive and X-Linked Classification Criteria (2023). Collection method: clinical testing. Allele origin: unknown.
Comment: NM_000070.2(CAPN3):c.1574T>C(F525S) is a missense variant classified as a variant of uncertain significance in the context of calpainopathy. F525S has been observed in a case with relevant disease (PMID: 31555977). Relevant functional assessments of this variant are not available in the literature. F525S has not been observed in referenced population frequency databases. In summary, there is insufficient evidence to classify NM_000070.2(CAPN3):c.1574T>C(F525S) as pathogenic or benign. Please note: this variant was assessed in the context of healthy population screening.

Literature cited by the submitters: PubMed 31555977.